The following is an entry in ClinVar:

ClinVar aggregate classification (germline): Uncertain significance (1 of 4 stars; one submission).

Conditions:
Muscular dystrophy-dystroglycanopathy (congenital with brain and eye anomalies), type a, 12 (MDDGA12). Also called: WALKER-WARBURG SYNDROME OR MUSCLE-EYE-BRAIN DISEASE, POMK-RELATED. Identifiers: Orphanet 899, MedGen C3808964, MONDO:0014101, OMIM 615249.
Limb-girdle muscular dystrophy due to POMK deficiency. Also called: MUSCULAR DYSTROPHY-DYSTROGLYCANOPATHY, LIMB-GIRDLE, POMK-RELATED; Muscular dystrophy-dystroglycanopathy (limb-girdle), type c, 12. Identifiers: Orphanet 445110, MedGen C4015184, MONDO:0014489, OMIM 616094.

Allele frequency attached by ClinVar (database versions not stated): gnomAD exomes below 0.00001.
gnomAD v4.1: 4 of 1,614,182 alleles (0.00025%); highest among the groups gnomAD compares: Non-Finnish European, 0.00034%; no homozygotes.

Submission:

Labcorp Genetics (formerly Invitae), Labcorp
Classification: Uncertain significance for Muscular dystrophy-dystroglycanopathy (congenital with brain and eye anomalies), type a, 12; Limb-girdle muscular dystrophy due to POMK deficiency. Last evaluated: 2023-11-13. Review status: criteria provided, single submitter. Criteria: Invitae Variant Classification Sherloc (09022015). Collection method: clinical testing. Allele origin: germline.
Comment: This sequence change replaces cysteine, which is neutral and slightly polar, with serine, which is neutral and polar, at codon 141 of the POMK protein (p.Cys141Ser). This variant is present in population databases (no rsID available, gnomAD 0.0009%). This variant has not been reported in the literature in individuals affected with POMK-related conditions. ClinVar contains an entry for this variant (Variation ID: 2109129). Advanced modeling of protein sequence and biophysical properties (such as structural, functional, and spatial information, amino acid conservation, physicochemical variation, residue mobility, and thermodynamic stability) performed at Invitae indicates that this missense variant is expected to disrupt POMK protein function with a positive predictive value of 80%. In summary, the available evidence is currently insufficient to determine the role of this variant in disease. Therefore, it has been classified as a Variant of Uncertain Significance.

NM_032237.5(POMK):c.422G>C (p.Cys141Ser)

Gene: POMK (protein O-mannose kinase; plus strand). Cytogenetic location: 8p11.21.
Variant type: single nucleotide variant.
Coding change: c.422G>C on transcript NM_032237.5 (MANE Select); coding-DNA position 422, G replaced by C.
Protein change: p.Cys141Ser; replaces cysteine 141 with serine.
Molecular consequence: missense variant.
Genome position (GRCh38, 1-based): chr8:43,122,246, G>C. VCF-style: chr8-43122246-G-C. GRCh37 (hg19) VCF-style: chr8-42977389-G-C.
Other names: c.422G>C, p.Cys141Ser (NM_001277971.2); short protein forms C141S.
Identifiers: ClinVar variation 2109129 (VCV002109129.4), dbSNP rs1168857297, ClinGen allele CA371121779.